The following is an entry in ClinVar:

ClinVar aggregate classification (germline): Uncertain significance (1 of 4 stars; one submission).

Submission:

GeneDx
Classification: Uncertain significance. Last evaluated: 2025-04-18. Review status: criteria provided, single submitter. Criteria: GeneDx Variant Classification Process June 2021. Collection method: clinical testing. Allele origin: germline. Affected: yes.
Comment: Not observed at significant frequency in large population cohorts (gnomAD); In-frame deletion of 2 amino acid(s) in a non-repeat region; Has not been previously published as pathogenic or benign to our knowledge

NM_005251.3(FOXC2):c.1197GCC[5] (p.Pro404_Ala405insProPro)

Gene: FOXC2 (forkhead box C2; plus strand). Cytogenetic location: 16q24.1.
Variant type: Microsatellite.
Coding change: c.1197GCC[5] on transcript NM_005251.3 (MANE Select); five copies in a row of the 3-base unit GCC starting at c.1197; the reference has three copies in a row; two copies, 6 bases duplicated.
Protein change: p.Pro404_Ala405insProPro.
Genome position (GRCh38, 1-based): chr16:86,568,535-86,568,540, GCCGCC duplicated; duplicating any 6 consecutive bases within chr16:86,568,531-86,568,540 gives the same sequence; the position shown is the placement nearest the transcript's 3' end. VCF-style (leftmost placement, unchanged base first): chr16-86568530-G-GCGCCGC. GRCh37 (hg19) VCF-style: chr16-86602136-G-GCGCCGC.
Identifiers: ClinVar variation 4527288 (VCV004527288.1).